The following is an entry in ClinVar:

ClinVar aggregate classification (germline): Benign. Review status: criteria provided, multiple submitters, no conflicts (2 of 4 stars). 3 submissions from 2 submitters: Benign (3). Last evaluated 2018-01-13.

Conditions:
Holoprosencephaly 7 (HPE7). Identifiers: Orphanet 2162, MedGen C1835820, MONDO:0012562, OMIM 610828.
Gorlin syndrome. Also called: Basal cell nevus syndrome; Nevoid Basal Cell Carcinoma Syndrome. Identifiers: Orphanet 377, MedGen C0004779, MONDO:0007187.

Allele frequency attached by ClinVar (database versions not stated): gnomAD exomes 0.07333; gnomAD 0.19479 and 0.20192; TOPMed 0.20722; 1000 Genomes Project 0.21286; 1000 Genomes Project 30x 0.22111.
gnomAD v4.1: 29,424 of 152,428 alleles (19%); highest among the groups gnomAD compares: African/African-American, 46%; 5,004 homozygotes.

Submissions (3):

Illumina Laboratory Services, Illumina
Classification: Benign for Basal cell nevus syndrome 1. Last evaluated: 2018-01-13. Review status: criteria provided, single submitter. Criteria: ICSL Variant Classification Criteria 13 December 2019. Collection method: clinical testing. Allele origin: germline.
Comment: This variant was observed in the ICSL laboratory as part of a predisposition screen in an ostensibly healthy population. It had not been previously curated by ICSL or reported in the Human Gene Mutation Database (HGMD: prior to June 1st, 2018), and was therefore a candidate for classification through an automated scoring system. Utilizing variant allele frequency, disease prevalence and penetrance estimates, and inheritance mode, an automated score was calculated to assess if this variant is too frequent to cause the disease. Based on the score and internal cut-off values, a variant classified as benign is not then subjected to further curation. The score for this variant resulted in a classification of benign for this disease.

Illumina Laboratory Services, Illumina
Classification: Benign for Holoprosencephaly 7. Last evaluated: 2018-01-13. Review status: criteria provided, single submitter. Criteria: ICSL Variant Classification Criteria 13 December 2019. Collection method: clinical testing. Allele origin: germline.
Comment: the same text as in the submission from Illumina Laboratory Services, Illumina above.

Breakthrough Genomics
Classification: Benign. Review status: criteria provided, single submitter. Criteria: ACMG Guidelines, 2015. Collection method: not provided. Allele origin: germline. Inheritance: Autosomal dominant inheritance. Affected: yes.

NM_000264.5(PTCH1):c.*3030A>G

Gene: PTCH1 (patched 1; minus strand). Cytogenetic location: 9q22.32.
Variant type: single nucleotide variant.
Coding change: c.*3030A>G on transcript NM_000264.5 (MANE Select); 3030 bases downstream of the stop codon, A replaced by G.
Molecular consequence: 3 prime UTR variant. On other transcripts: non-coding transcript variant (1).
Genome position (GRCh38, 1-based): chr9:95,443,363, T>C on the plus strand (A>G on the coding strand, the complement: PTCH1 is on the minus strand). VCF-style: chr9-95443363-T-C. GRCh37 (hg19) VCF-style: chr9-98205645-T-C.
Other names: c.*3030A>G (NM_001083603.3, NM_001083604.3, NM_001083605.3 and 4 more transcripts).
Identifiers: ClinVar variation 367623 (VCV000367623.6), dbSNP rs28485160, ClinGen allele CA10627716.